The following is an entry in ClinVar:

ClinVar aggregate classification (germline): Likely pathogenic (1 of 4 stars; one submission).

Conditions:
Familial meningioma. Also called: Meningioma, familial, susceptibility to. Identifiers: Orphanet 263662, MedGen C3551915, MONDO:0011789, OMIM 607174.

Submission:

Institute for Genomic Medicine (IGM) Clinical Laboratory, Nationwide Children's Hospital
Classification: Likely pathogenic for Familial meningioma. Last evaluated: 2023-05-12. Review status: criteria provided, single submitter. Criteria: ACMG Guidelines, 2015. Collection method: clinical testing. Allele origin: germline.
Comment: This variant is predicted to result in loss of function through nonsense-mediated decay of the encoded transcript or premature truncation of the encoded protein in a gene in which loss of function is a known mechanism of disease (ACMG/AMP: PVS1; PMIDs:23377182, 26803492, 28474749). This variant is absent from or present at an exceedingly low frequency in gnomAD, a large-scale control population database (ACMG/AMP: PM2).

Literature cited by the submitters: PubMed 23377182; PubMed 26803492; PubMed 28474749.

NM_003079.5(SMARCE1):c.167dup (p.Ile57fs)

Gene: SMARCE1 (SWI/SNF related BAF chromatin remodeling complex subunit E1; minus strand). Cytogenetic location: 17q21.2.
Variant type: Duplication.
Coding change: c.167dup on transcript NM_003079.5 (MANE Select); coding-DNA position 167, one base duplicated (G; older notation c.167dupG).
Protein change: p.Ile57fs; shifts the reading frame from isoleucine 57.
Molecular consequence: frameshift variant.
Genome position (GRCh38, 1-based): chr17:40,637,562, C duplicated on the plus strand (G on the coding strand, the reverse complement: SMARCE1 is on the minus strand); the first of 2 consecutive C bases (chr17:40,637,562-40,637,563); duplicating either gives the same sequence. VCF-style (leftmost placement, unchanged base first): chr17-40637561-A-AC. GRCh37 (hg19) VCF-style: chr17-38793813-A-AC.
Other names: short protein forms I57fs.
Identifiers: ClinVar variation 4759323 (VCV004759323.1).
Genomic context (GRCh38, chr17:40,637,561, plus strand): 5'-GTACCTCATGTAGGGCATCAGCGGCTTATCTGGTGGCTTTGGGGGTTTTGGAATCGTGAT[A>AC]CCAGAGGATGCCTACGAAAGAGTTAAATACATTCATTATTCAACTGTAAGGAGTTCACTG-3'